The following is an entry in ClinVar:

ClinVar aggregate classification (germline): Likely benign (1 of 4 stars; one submission).

gnomAD v4.1: 1 of 1,613,830 alleles (0.000062%); highest among the groups gnomAD compares: Non-Finnish European, 0.000085%; no homozygotes.

Submission:

CeGaT Center for Human Genetics Tuebingen
Classification: Likely benign. Last evaluated: 2025-10-01. Review status: criteria provided, single submitter. Criteria: CeGaT Center For Human Genetics Tuebingen Variant Classification Criteria Version 2. Collection method: clinical testing. Allele origin: germline. Affected: yes. Observed: 1 variant allele.
Comment: HERC2: BP4, BP7

NM_004667.6(HERC2):c.2466C>T (p.Pro822=)

Gene: HERC2 (HECT and RLD domain containing E3 ubiquitin protein ligase 2; minus strand). Cytogenetic location: 15q13.1.
Variant type: single nucleotide variant.
Coding change: c.2466C>T on transcript NM_004667.6 (MANE Select); coding-DNA position 2466, C replaced by T.
Protein change: p.Pro822=; no amino-acid change (proline 822 retained).
Molecular consequence: synonymous variant.
Genome position (GRCh38, 1-based): chr15:28,257,112, G>A on the plus strand (C>T on the coding strand, the complement: HERC2 is on the minus strand). VCF-style: chr15-28257112-G-A. GRCh37 (hg19) VCF-style: chr15-28502258-G-A.
Identifiers: ClinVar variation 4535031 (VCV004535031.6).
Genomic context (GRCh38, chr15:28,257,112, plus strand): 5'-CATGAATACCTGAAGTCGTAGAAGATTCAGCGTTGCCACGGCCACACACTCTTTCTCCTG[G>A]GGCGGGGGCCAGTCCGCGGAACCATCCATCCCCTCACTCACCTGCCGAAGCAGGAGATCC-3'
Protein context (NP_004658.3, residues 812-832): GMDGSADWPP[Pro822=]QEKECVAVAT